The following is an entry in ClinVar:

ClinVar aggregate classification (germline): Uncertain significance (1 of 4 stars; one submission).

Conditions:
Familial thoracic aortic aneurysm and aortic dissection (TAAD). Also called: Thoracic aortic aneurysms and dissections. Identifiers: Orphanet 91387, MedGen C4707243, MONDO:0019625.

Allele frequency attached by ClinVar (database versions not stated): gnomAD exomes below 0.00001; TOPMed below 0.00001.
gnomAD v4.1: 5 of 1,612,894 alleles (0.00031%); highest among the groups gnomAD compares: Non-Finnish European, 0.00042%; no homozygotes.

Submission:

Ambry Genetics
Classification: Uncertain significance for Familial thoracic aortic aneurysm and aortic dissection. Last evaluated: 2021-11-02. Review status: criteria provided, single submitter. Criteria: Ambry Variant Classification Scheme 2023. Collection method: clinical testing. Allele origin: germline.
Comment: The p.N308H variant (also known as c.922A>C), located in coding exon 6 of the NOTCH1 gene, results from an A to C substitution at nucleotide position 922. The asparagine at codon 308 is replaced by histidine, an amino acid with similar properties. This amino acid position is conserved. In addition, the in silico prediction for this alteration is inconclusive. Since supporting evidence is limited at this time, the clinical significance of this alteration remains unclear.

NM_017617.5(NOTCH1):c.922A>C (p.Asn308His)

Gene: NOTCH1 (notch receptor 1; minus strand). Cytogenetic location: 9q34.3.
Variant type: single nucleotide variant.
Coding change: c.922A>C on transcript NM_017617.5 (MANE Select); coding-DNA position 922, A replaced by C.
Protein change: p.Asn308His; replaces asparagine 308 with histidine.
Molecular consequence: missense variant.
Genome position (GRCh38, 1-based): chr9:136,518,768, T>G on the plus strand (A>C on the coding strand, the complement: NOTCH1 is on the minus strand). VCF-style: chr9-136518768-T-G. GRCh37 (hg19) VCF-style: chr9-139413220-T-G.
Other names: short protein forms N308H.
Identifiers: ClinVar variation 1766252 (VCV001766252.2), dbSNP rs1455510244, ClinGen allele CA375565717.